The following is an entry in ClinVar:

NM_000090.4(COL3A1):c.583-4C>T

Gene: COL3A1 (collagen type III alpha 1 chain; plus strand). Cytogenetic location: 2q32.2.
Variant type: single nucleotide variant.
Coding change: c.583-4C>T on transcript NM_000090.4 (MANE Select); 4 bases into the intron before coding-DNA position 583, C replaced by T.
Molecular consequence: intron variant.
Genome position (GRCh38, 1-based): chr2:188,988,586, C>T. VCF-style: chr2-188988586-C-T. GRCh37 (hg19) VCF-style: chr2-189853312-C-T.
Identifiers: ClinVar variation 3075157 (VCV003075157.1), dbSNP rs2469114443, ClinGen allele CA2825001066.

ClinVar aggregate classification (germline): Likely benign (1 of 4 stars; one submission).

Conditions:
Ehlers-Danlos syndrome, type 4 (EDSVASC). Also called: Ehlers-Danlos Syndrome Type IV; Ehlers-Danlos syndrome vascular type; Ehlers Danlos syndrome, ecchymotic type; Ehlers Danlos syndrome, arterial type; Ehlers Danlos syndrome, Sack-Barabas type. Identifiers: Orphanet 286, MedGen C0268338, MONDO:0017314, OMIM 130050.

Submission:

All of Us Research Program, National Institutes of Health
Classification: Likely benign for Ehlers-Danlos syndrome, type 4. Last evaluated: 2023-12-18. Review status: criteria provided, single submitter. Criteria: ACMG Guidelines, 2015. Collection method: clinical testing. Allele origin: germline. Inheritance: Autosomal dominant inheritance. Observed: 1 variant allele, 1 heterozygote.
Comment: This study involves interpretation of variants in research participants for the purpose of population health screening. Participant phenotype was not available at the time of variant classification. Additional details can be found in publication PMID: 35346344, PMCID: PMC8962531